The following is an entry in ClinVar:

ClinVar aggregate classification (germline): Likely pathogenic. Review status: criteria provided, multiple submitters, no conflicts (2 of 4 stars). 2 submissions from 2 submitters: Likely pathogenic (2). Last evaluated 2023-02-01.

Conditions:
PEX3-related disorder. Also called: PEX3-related condition.

Allele frequency attached by ClinVar (database versions not stated): TOPMed below 0.00001; ExAC 0.00001.
gnomAD v4.1: 12 of 1,550,804 alleles (0.00077%); highest among the groups gnomAD compares: Non-Finnish European, 0.0011%; no homozygotes.

Submissions (2):

Labcorp Genetics (formerly Invitae), Labcorp
Classification: Likely pathogenic. Last evaluated: 2023-02-01. Review status: criteria provided, single submitter. Criteria: Invitae Variant Classification Sherloc (09022015). Collection method: clinical testing. Allele origin: germline.
Comment: In summary, the currently available evidence indicates that the variant is pathogenic, but additional data are needed to prove that conclusively. Therefore, this variant has been classified as Likely Pathogenic. Algorithms developed to predict the effect of sequence changes on RNA splicing suggest that this variant may disrupt the consensus splice site. This variant has not been reported in the literature in individuals affected with PEX3-related conditions. This variant is present in population databases (rs756023893, gnomAD 0.004%). This sequence change affects an acceptor splice site in intron 10 of the PEX3 gene. It is expected to disrupt RNA splicing. Variants that disrupt the donor or acceptor splice site typically lead to a loss of protein function (PMID: 16199547), and loss-of-function variants in PEX3 are known to be pathogenic (PMID: 10942428, 21031596).

Blueprint Genetics
Classification: Likely pathogenic for PEX3-related disorders. Last evaluated: 2022-05-13. Review status: criteria provided, single submitter. Criteria: ACMG Guidelines, 2015. Collection method: clinical testing. Allele origin: germline. Affected: yes. Observed: 3 variant alleles.

Literature cited by the submitters: PubMed 16199547 (cited by Labcorp Genetics (formerly Invitae), Labcorp); PubMed 10942428 (cited by Labcorp Genetics (formerly Invitae), Labcorp); PubMed 21031596 (cited by Labcorp Genetics (formerly Invitae), Labcorp).

NM_003630.3(PEX3):c.942-1G>T

Gene: PEX3 (peroxisomal biogenesis factor 3; plus strand). Cytogenetic location: 6q24.2.
Variant type: single nucleotide variant.
Coding change: c.942-1G>T on transcript NM_003630.3 (MANE Select); the canonical splice acceptor site of the intron before coding-DNA position 942, G replaced by T.
Molecular consequence: splice acceptor variant.
Genome position (GRCh38, 1-based): chr6:143,485,151, G>T. VCF-style: chr6-143485151-G-T. GRCh37 (hg19) VCF-style: chr6-143806288-G-T.
Identifiers: ClinVar variation 2980161 (VCV002980161.4), dbSNP rs756023893, ClinGen allele CA4029717.
Genomic context (GRCh38, chr6:143,485,151, plus strand): 5'-AAGATGTTAAAGTCCTGTGGGGTCATTTCAGAAAATAATCATTACTGTAATGATTTTTCA[G>T]TCTTTCCAGTGTCAGCCTGCCTTTAGCTAAGATAATTCCAATAGTAAACGGACAGATCCA-3'